The following is an entry in ClinVar:

NM_000065.5(C6):c.2068G>C (p.Gly690Arg)

Gene: C6 (complement C6; minus strand). Cytogenetic location: 5p13.1.
Variant type: single nucleotide variant.
Coding change: c.2068G>C on transcript NM_000065.5 (MANE Select); coding-DNA position 2068, G replaced by C.
Protein change: p.Gly690Arg; replaces glycine 690 with arginine.
Molecular consequence: missense variant.
Genome position (GRCh38, 1-based): chr5:41,155,005, C>G on the plus strand (G>C on the coding strand, the complement: C6 is on the minus strand). VCF-style: chr5-41155005-C-G. GRCh37 (hg19) VCF-style: chr5-41155107-C-G.
Other names: c.2068G>C, p.Gly690Arg (NM_001115131.4); short protein forms G690R.
Identifiers: ClinVar variation 1355422 (VCV001355422.5), dbSNP rs755014115, ClinGen allele CA3252227.

ClinVar aggregate classification (germline): Uncertain significance (1 of 4 stars; one submission).

gnomAD v4.1: 41 of 1,613,642 alleles (0.0025%); highest among the groups gnomAD compares: Non-Finnish European, 0.0031%; no homozygotes.

Submission:

Labcorp Genetics (formerly Invitae), Labcorp
Classification: Uncertain significance. Last evaluated: 2022-08-20. Review status: criteria provided, single submitter. Criteria: Invitae Variant Classification Sherloc (09022015). Collection method: clinical testing. Allele origin: germline.
Comment: This sequence change replaces glycine, which is neutral and non-polar, with arginine, which is basic and polar, at codon 690 of the C6 protein (p.Gly690Arg). This variant is present in population databases (rs755014115, gnomAD 0.01%). This variant has not been reported in the literature in individuals affected with C6-related conditions. ClinVar contains an entry for this variant (Variation ID: 1355422). Algorithms developed to predict the effect of missense changes on protein structure and function output the following: SIFT: "Tolerated"; PolyPhen-2: "Benign"; Align-GVGD: "Class C0". The arginine amino acid residue is found in multiple mammalian species, which suggests that this missense change does not adversely affect protein function. In summary, the available evidence is currently insufficient to determine the role of this variant in disease. Therefore, it has been classified as a Variant of Uncertain Significance.